The following is an entry in ClinVar:

ClinVar aggregate classification (germline): Uncertain significance (1 of 4 stars; one submission).

Conditions:
Ataxia-telangiectasia syndrome (AT). Also called: LOUIS-BAR SYNDROME; AT, COMPLEMENTATION GROUP C; ATAXIA-TELANGIECTASIA, COMPLEMENTATION GROUP A; ATAXIA-TELANGIECTASIA, FRESNO VARIANT; Ataxia-telangiectasia; Cerebello-oculocutaneous telangiectasia. Identifiers: Orphanet 100, MedGen C0004135, MONDO:0008840, OMIM 208900.

Submission:

Labcorp Genetics (formerly Invitae), Labcorp
Classification: Uncertain significance for Ataxia-telangiectasia syndrome. Last evaluated: 2023-09-03. Review status: criteria provided, single submitter. Criteria: Invitae Variant Classification Sherloc (09022015). Collection method: clinical testing. Allele origin: germline.
Comment: This variant has not been reported in the literature in individuals affected with ATM-related conditions. This variant is not present in population databases (gnomAD no frequency). This sequence change replaces serine, which is neutral and polar, with cysteine, which is neutral and slightly polar, at codon 1198 of the ATM protein (p.Ser1198Cys). In summary, the available evidence is currently insufficient to determine the role of this variant in disease. Therefore, it has been classified as a Variant of Uncertain Significance. An algorithm developed to predict the effect of missense changes on protein structure and function (PolyPhen-2) suggests that this variant is likely to be tolerated.

NM_000051.4(ATM):c.3593C>G (p.Ser1198Cys)

Gene: ATM (ATM serine/threonine kinase; plus strand). Cytogenetic location: 11q22.3.
Variant type: single nucleotide variant.
Coding change: c.3593C>G on transcript NM_000051.4 (MANE Select); coding-DNA position 3593, C replaced by G.
Protein change: p.Ser1198Cys; replaces serine 1198 with cysteine.
Molecular consequence: missense variant.
Genome position (GRCh38, 1-based): chr11:108,282,726, C>G. VCF-style: chr11-108282726-C-G. GRCh37 (hg19) VCF-style: chr11-108153453-C-G.
Other names: c.3593C>G, p.Ser1198Cys (NM_001351834.2); short protein forms S1198C.
Identifiers: ClinVar variation 2757654 (VCV002757654.3), dbSNP rs2135686922, ClinGen allele CA382522579.